The following is an entry in ClinVar:

NM_015378.4(VPS13D):c.5909G>A (p.Arg1970Gln)

Gene: VPS13D (vacuolar protein sorting 13 homolog D; plus strand). Cytogenetic location: 1p36.22.
Variant type: single nucleotide variant.
Coding change: c.5909G>A on transcript NM_015378.4 (MANE Select); coding-DNA position 5909, G replaced by A.
Protein change: p.Arg1970Gln; replaces arginine 1970 with glutamine.
Molecular consequence: missense variant.
Genome position (GRCh38, 1-based): chr1:12,293,580, G>A. VCF-style: chr1-12293580-G-A. GRCh37 (hg19) VCF-style: chr1-12353637-G-A.
Other names: c.5909G>A, p.Arg1970Gln (NM_018156.4); short protein forms R1970Q.
Identifiers: ClinVar variation 1987375 (VCV001987375.4), dbSNP rs755562896, ClinGen allele CA602466.

ClinVar aggregate classification (germline): Uncertain significance (1 of 4 stars; one submission).

Allele frequency attached by ClinVar (database versions not stated): ExAC 0.00001; gnomAD exomes 0.00001; TOPMed 0.00001.
gnomAD v4.1: 12 of 1,613,920 alleles (0.00074%); highest among the groups gnomAD compares: Middle Eastern, 0.082%; no homozygotes.

Submission:

Labcorp Genetics (formerly Invitae), Labcorp
Classification: Uncertain significance. Last evaluated: 2024-01-15. Review status: criteria provided, single submitter. Criteria: Invitae Variant Classification Sherloc (09022015). Collection method: clinical testing. Allele origin: germline.
Comment: This sequence change replaces arginine, which is basic and polar, with glutamine, which is neutral and polar, at codon 1970 of the VPS13D protein (p.Arg1970Gln). This variant is present in population databases (rs755562896, gnomAD 0.0009%). This variant has not been reported in the literature in individuals affected with VPS13D-related conditions. ClinVar contains an entry for this variant (Variation ID: 1987375). Advanced modeling of protein sequence and biophysical properties (such as structural, functional, and spatial information, amino acid conservation, physicochemical variation, residue mobility, and thermodynamic stability) performed at Invitae indicates that this missense variant is not expected to disrupt VPS13D protein function with a negative predictive value of 80%. In summary, the available evidence is currently insufficient to determine the role of this variant in disease. Therefore, it has been classified as a Variant of Uncertain Significance.